The following is an entry in ClinVar:

ClinVar aggregate classification (germline): Likely pathogenic (1 of 4 stars; one submission).

Submission:

Labcorp Genetics (formerly Invitae), Labcorp
Classification: Likely pathogenic. Last evaluated: 2024-02-23. Review status: criteria provided, single submitter. Criteria: Invitae Variant Classification Sherloc (09022015). Collection method: clinical testing. Allele origin: germline.
Comment: This sequence change replaces aspartic acid, which is acidic and polar, with valine, which is neutral and non-polar, at codon 1093 of the ABCA4 protein (p.Asp1093Val). This variant is not present in population databases (gnomAD no frequency). This variant has not been reported in the literature in individuals affected with ABCA4-related conditions. ClinVar contains an entry for this variant (Variation ID: 2036773). Advanced modeling of protein sequence and biophysical properties (such as structural, functional, and spatial information, amino acid conservation, physicochemical variation, residue mobility, and thermodynamic stability) performed at Invitae indicates that this missense variant is expected to disrupt ABCA4 protein function with a positive predictive value of 95%. This variant disrupts the p.Asp1093 amino acid residue in ABCA4. Other variant(s) that disrupt this residue have been determined to be pathogenic (PMID: 32619608). This suggests that this residue is clinically significant, and that variants that disrupt this residue are likely to be disease-causing. In summary, the currently available evidence indicates that the variant is pathogenic, but additional data are needed to prove that conclusively. Therefore, this variant has been classified as Likely Pathogenic.

Literature cited by the submitters: PubMed 32619608.

NM_000350.3(ABCA4):c.3278A>T (p.Asp1093Val)

Gene: ABCA4 (ATP binding cassette subfamily A member 4; minus strand). Cytogenetic location: 1p22.1.
Variant type: single nucleotide variant.
Coding change: c.3278A>T on transcript NM_000350.3 (MANE Select); coding-DNA position 3278, A replaced by T.
Protein change: p.Asp1093Val; replaces aspartic acid 1093 with valine.
Molecular consequence: missense variant.
Genome position (GRCh38, 1-based): chr1:94,042,811, T>A on the plus strand (A>T on the coding strand, the complement: ABCA4 is on the minus strand). VCF-style: chr1-94042811-T-A. GRCh37 (hg19) VCF-style: chr1-94508367-T-A.
Other names: c.3056A>T, p.Asp1019Val (NM_001425324.1); short protein forms D1093V, D1019V.
Identifiers: ClinVar variation 2036773 (VCV002036773.4), dbSNP rs61752418, ClinGen allele CA341292089.